The following is an entry in ClinVar:

ClinVar aggregate classification (germline): Uncertain significance (0 of 4 stars; one submission).

Conditions:
AVPR2-related disorder. Also called: AVPR2-related condition.

Submission:

PreventionGenetics, part of Exact Sciences
Classification: Uncertain significance for AVPR2-related condition. Last evaluated: 2024-01-02. Review status: no assertion criteria provided. Collection method: clinical testing. Allele origin: germline.
Comment: The AVPR2 c.1030C>T variant is predicted to result in the amino acid substitution p.Arg344Trp. To our knowledge, this variant has not been reported in the literature or in a large population database, indicating this variant is rare. At this time, the clinical significance of this variant is uncertain due to the absence of conclusive functional and genetic evidence.

NM_000054.7(AVPR2):c.1030C>T (p.Arg344Trp)

Gene: AVPR2 (arginine vasopressin receptor 2; plus strand). Cytogenetic location: Xq28.
Variant type: single nucleotide variant.
Coding change: c.1030C>T on transcript NM_000054.7 (MANE Select); coding-DNA position 1030, C replaced by T.
Protein change: p.Arg344Trp; replaces arginine 344 with tryptophan.
Molecular consequence: missense variant. On other transcripts: 3 prime UTR variant (1), non-coding transcript variant (1).
Genome position (GRCh38, 1-based): chrX:153,906,642, C>T. VCF-style: chrX-153906642-C-T. GRCh37 (hg19) VCF-style: chrX-153172096-C-T.
Other names: c.*206C>T (NM_001146151.3); short protein forms R344W.
Identifiers: ClinVar variation 3029373 (VCV003029373.2), dbSNP rs782743112, ClinGen allele CA415111548.
Genomic context (GRCh38, chrX:153,906,642, plus strand): 5'-ATCTATGCATCTTTCAGCAGCAGCGTGTCCTCAGAGCTGCGAAGCTTGCTCTGCTGTGCC[C>T]GGGGACGCACCCCACCCAGCCTGGGTCCCCAAGATGAGTCCTGCACCACCGCCAGCTCCT-3'
Protein context (NP_000045.1, residues 334-354): SELRSLLCCA[Arg344Trp]GRTPPSLGPQ